The following is an entry in ClinVar:

ClinVar aggregate classification (germline): Pathogenic (1 of 4 stars; one submission).

Conditions:
Neurofibromatosis, type 1 (NF1). Also called: Peripheral type neurofibromatosis; Neurofibromatosis, type I; VON RECKLINGHAUSEN DISEASE; NEUROFIBROMATOSIS, TYPE I, SOMATIC. Identifiers: Orphanet 636, MedGen C0027831, MONDO:0018975, OMIM 162200. Disease mechanism: loss of function.

Submission:

Labcorp Genetics (formerly Invitae), Labcorp
Classification: Pathogenic for Neurofibromatosis, type 1. Last evaluated: 2019-12-23. Review status: criteria provided, single submitter. Criteria: Invitae Variant Classification Sherloc (09022015). Collection method: clinical testing. Allele origin: germline.
Comment: This sequence change creates a premature translational stop signal (p.Glu1088Argfs*17) in the NF1 gene. It is expected to result in an absent or disrupted protein product. This variant is not present in population databases (ExAC no frequency). This variant has not been reported in the literature in individuals with NF1-related conditions. Loss-of-function variants in NF1 are known to be pathogenic (PMID: 10712197, 23913538). For these reasons, this variant has been classified as Pathogenic.

Literature cited by the submitters: PubMed 10712197; PubMed 23913538.

NM_001042492.3(NF1):c.3262_3263del (p.Glu1088fs)

Gene: NF1 (neurofibromin 1; plus strand). Cytogenetic location: 17q11.2.
Variant type: Deletion.
Coding change: c.3262_3263del on transcript NM_001042492.3 (MANE Select); coding-DNA positions 3262 to 3263, 2 bases deleted (GA; older notation c.3262_3263delGA).
Protein change: p.Glu1088fs; shifts the reading frame from glutamic acid 1088.
Molecular consequence: frameshift variant.
Genome position (GRCh38, 1-based): chr17:31,232,137-31,232,138, GA deleted. VCF-style (leftmost placement, unchanged base first): chr17-31232136-TGA-T. GRCh37 (hg19) VCF-style: chr17-29559154-TGA-T.
Other names: c.3262_3263delGA, p.Glu1088Argfs (NM_000267.4); short protein forms E1088fs.
Identifiers: ClinVar variation 837482 (VCV000837482.7), dbSNP rs2067123493, ClinGen allele CA916080653.